The following is an entry in ClinVar:

ClinVar aggregate classification (germline): Conflicting classifications of pathogenicity. Review status: criteria provided, conflicting classifications (1 of 4 stars). 5 submissions from 5 submitters: Uncertain significance (3); Likely benign (2). Last evaluated 2026-01-20.

Conditions:
Inborn genetic diseases. Identifiers: MedGen C0950123, MeSH D030342.

Allele frequency attached by ClinVar (database versions not stated): gnomAD exomes 0.00013 and 0.00016; ExAC 0.00015; ESP Exome Variant Server 0.00016; gnomAD 0.00019 and 0.00020; TOPMed 0.00019.
gnomAD v4.1: 265 of 1,613,902 alleles (0.016%); highest among the groups gnomAD compares: Middle Eastern, 0.12%; no homozygotes.

Submissions (5):

Labcorp Genetics (formerly Invitae), Labcorp
Classification: Likely benign. Last evaluated: 2026-01-20. Review status: criteria provided, single submitter. Criteria: Invitae Variant Classification Sherloc (09022015). Collection method: clinical testing. Allele origin: germline.

Blueprint Genetics
Classification: Uncertain significance. Last evaluated: 2024-09-12. Review status: criteria provided, single submitter. Criteria: ACMG Guidelines, 2015. Collection method: clinical testing. Allele origin: germline.

CeGaT Center for Human Genetics Tuebingen
Classification: Likely benign. Last evaluated: 2023-05-01. Review status: criteria provided, single submitter. Criteria: CeGaT Center For Human Genetics Tuebingen Variant Classification Criteria Version 2. Collection method: clinical testing. Allele origin: germline. Affected: yes. Observed: 1 variant allele.
Comment: TBCD: BP4

Laboratorio de Genetica e Diagnostico Molecular, Hospital Israelita Albert Einstein
Classification: Uncertain significance. Last evaluated: 2021-09-01. Review status: criteria provided, single submitter. Criteria: ACMG Guidelines, 2015. Collection method: clinical testing. Allele origin: germline. Affected: yes.
Comment: ACMG classification criteria: BP4

Ambry Genetics
Classification: Uncertain significance for Inborn genetic diseases. Last evaluated: 2021-08-10. Review status: criteria provided, single submitter. Criteria: Ambry Variant Classification Scheme 2023. Collection method: clinical testing. Allele origin: germline.

NM_005993.5(TBCD):c.541G>C (p.Ala181Pro)

Gene: TBCD (tubulin folding cofactor D). Cytogenetic location: 17q25.3.
Variant type: single nucleotide variant.
Coding change: c.541G>C on transcript NM_005993.5 (MANE Select); coding-DNA position 541, G replaced by C.
Protein change: p.Ala181Pro; replaces alanine 181 with proline.
Molecular consequence: missense variant.
Genome position (GRCh38, 1-based): chr17:82,768,525, G>C. VCF-style: chr17-82768525-G-C. GRCh37 (hg19) VCF-style: chr17-80726401-G-C.
Other names: c.541G>C (NM_005993.4); short protein forms A181P.
Identifiers: ClinVar variation 1512664 (VCV001512664.33), dbSNP rs201980005, ClinGen allele CA8861644.